The following is an entry in ClinVar:

NM_206933.4(USH2A):c.13704C>T (p.Phe4568=)

Gene: USH2A (usherin; minus strand). Cytogenetic location: 1q41.
Variant type: single nucleotide variant.
Coding change: c.13704C>T on transcript NM_206933.4 (MANE Select); coding-DNA position 13704, C replaced by T.
Protein change: p.Phe4568=; no amino-acid change (phenylalanine 4568 retained).
Molecular consequence: synonymous variant.
Genome position (GRCh38, 1-based): chr1:215,674,207, G>A on the plus strand (C>T on the coding strand, the complement: USH2A is on the minus strand). VCF-style: chr1-215674207-G-A. GRCh37 (hg19) VCF-style: chr1-215847549-G-A.
Identifiers: ClinVar variation 48421 (VCV000048421.19), dbSNP rs397517986, ClinGen allele CA143324.

ClinVar aggregate classification (germline): Likely benign. Review status: criteria provided, multiple submitters, no conflicts (2 of 4 stars). 6 submissions from 5 submitters: Likely benign (5). 1 of the submissions does not count toward it. Last evaluated 2025-12-14.

Conditions:
Retinal dystrophy. Also called: Inherited retinal dystrophy. Identifiers: Orphanet 71862, MedGen C0854723, MeSH D058499, MONDO:0019118, HP:0000556.
USH2A-related disorder. Also called: USH2A-related condition; USH2A-related disorders. Identifiers: MedGen CN239332.
Retinitis pigmentosa 39 (RP39). Identifiers: Orphanet 791, MedGen C3151138, MONDO:0013436, OMIM 613809.
Usher syndrome type 2A. Also called: RETINAL DISEASE IN USHER SYNDROME TYPE IIA, MODIFIER OF; USHER SYNDROME, TYPE IIA. Identifiers: Orphanet 231178, Orphanet 886, MedGen C1848634, MONDO:0010169, OMIM 276901.

Allele frequency attached by ClinVar (database versions not stated): gnomAD 0.00001; gnomAD exomes 0.00002 and 0.00003; ExAC 0.00004.
gnomAD v4.1: 25 of 1,614,016 alleles (0.0015%); highest among the groups gnomAD compares: East Asian, 0.04%; no homozygotes.

Submissions (6):

Labcorp Genetics (formerly Invitae), Labcorp
Classification: Likely benign. Last evaluated: 2025-12-14. Review status: criteria provided, single submitter. Criteria: Invitae Variant Classification Sherloc (09022015). Collection method: clinical testing. Allele origin: germline.

Genome-Nilou Lab
Classification: Likely benign for Retinitis pigmentosa 39. Last evaluated: 2023-11-04. Review status: criteria provided, single submitter. Criteria: ACMG Guidelines, 2015. Collection method: clinical testing. Allele origin: germline. Affected: no.

Genome-Nilou Lab
Classification: Likely benign for Usher syndrome type 2A. Last evaluated: 2023-11-04. Review status: criteria provided, single submitter. Criteria: ACMG Guidelines, 2015. Collection method: clinical testing. Allele origin: germline. Affected: no.

Dept Of Ophthalmology, Nagoya University
Classification: Likely benign for Retinal dystrophy. Last evaluated: 2023-10-01. Review status: criteria provided, single submitter. Criteria: Submitter's publication. Collection method: research. Allele origin: germline. Affected: yes.

Laboratory for Molecular Medicine, Mass General Brigham Personalized Medicine
Classification: Likely benign. Last evaluated: 2011-09-12. Review status: criteria provided, single submitter. Criteria: LMM Criteria. Collection method: clinical testing. Allele origin: germline. Observed: 1 variant allele.
Comment: Phe4568Phe in exon 63 of USH2A: This variant is not expected to have clinical si gnificance because it does not alter an amino acid residue and is not located ne ar a splice junction.

PreventionGenetics, part of Exact Sciences
Classification: Likely benign for USH2A-related condition. Last evaluated: 2020-02-19. Review status: no assertion criteria provided. Collection method: clinical testing. Allele origin: germline. Not counted in ClinVar's aggregate classification.
Comment: This variant is classified as likely benign based on ACMG/AMP sequence variant interpretation guidelines (Richards et al. 2015 PMID: 25741868, with internal and published modifications).